The following is an entry in ClinVar:

ClinVar aggregate classification (germline): Uncertain significance. Review status: criteria provided, multiple submitters, no conflicts (2 of 4 stars). 3 submissions from 3 submitters: Uncertain significance (3). Last evaluated 2026-07-01.

Conditions:
Cardiovascular phenotype. Identifiers: MedGen CN230736.
Fabry disease. Also called: Fabry's disease; GLA DEFICIENCY; HEREDITARY DYSTOPIC LIPIDOSIS; Ceramide trihexosidosis; ALPHA-GALACTOSIDASE A DEFICIENCY; ANDERSON-FABRY DISEASE. Identifiers: Orphanet 324, MedGen C0002986, MONDO:0010526, OMIM 301500, HP:0001071. Disease mechanism: Fabry disease is due to inactivating mutations in the X-linked GLA gene resulting in deficiency of the enzyme Alpha Galactosidase-A., loss of function.

Allele frequency attached by ClinVar (database versions not stated): gnomAD exomes below 0.00001; gnomAD 0.00001; TOPMed 0.00001.
gnomAD v4.1: 5 of 1,204,953 alleles (0.00041%); highest among the groups gnomAD compares: Non-Finnish European, 0.00056%; no homozygotes.

Submissions (3):

Ambry Genetics
Classification: Uncertain significance for Cardiovascular phenotype. Last evaluated: 2026-07-01. Review status: criteria provided, single submitter. Criteria: Ambry Variant Classification Scheme 2023. Collection method: clinical testing. Allele origin: germline.
Comment: The p.P305L variant (also known as c.914C>T), located in coding exon 6 of the GLA gene, results from a C to T substitution at nucleotide position 914. The proline at codon 305 is replaced by leucine, an amino acid with similar properties. This amino acid position is conserved. In addition, the in silico prediction for this alteration is inconclusive. Based on the available evidence, the clinical significance of this variant remains unclear.

Labcorp Genetics (formerly Invitae), Labcorp
Classification: Uncertain significance for Fabry disease. Last evaluated: 2024-05-14. Review status: criteria provided, single submitter. Criteria: Invitae Variant Classification Sherloc (09022015). Collection method: clinical testing. Allele origin: germline.
Comment: This sequence change replaces proline, which is neutral and non-polar, with leucine, which is neutral and non-polar, at codon 305 of the GLA protein (p.Pro305Leu). This variant is not present in population databases (gnomAD no frequency). This variant has not been reported in the literature in individuals affected with GLA-related conditions. ClinVar contains an entry for this variant (Variation ID: 629461). Advanced modeling of protein sequence and biophysical properties (such as structural, functional, and spatial information, amino acid conservation, physicochemical variation, residue mobility, and thermodynamic stability) performed at Invitae indicates that this missense variant is not expected to disrupt GLA protein function with a negative predictive value of 80%. In summary, the available evidence is currently insufficient to determine the role of this variant in disease. Therefore, it has been classified as a Variant of Uncertain Significance.

Color Diagnostics, LLC DBA Color Health
Classification: Uncertain significance for Fabry disease. Last evaluated: 2024-03-06. Review status: criteria provided, single submitter. Criteria: ACMG Guidelines, 2015. Collection method: clinical testing. Allele origin: germline.
Comment: This missense variant replaces proline with leucine at codon 305 of the GLA protein. Computational prediction is inconclusive regarding the impact of this variant on protein structure and function (internally defined REVEL score threshold 0.5 < inconclusive < 0.7, PMID: 27666373). To our knowledge, functional studies have not been reported for this variant. This variant has not been reported in individuals affected with GLA-related disorders in the literature. This variant has not been identified in the general population by the Genome Aggregation Database (gnomAD). The available evidence is insufficient to determine the role of this variant in disease conclusively. Therefore, this variant is classified as a Variant of Uncertain Significance.

NM_000169.3(GLA):c.914C>T (p.Pro305Leu)

Genes: GLA (galactosidase alpha; minus strand), RPL36A-HNRNPH2 (RPL36A-HNRNPH2 readthrough; plus strand). Cytogenetic location: Xq22.1.
Variant type: single nucleotide variant.
Coding change: c.914C>T on transcript NM_000169.3 (MANE Select); coding-DNA position 914, C replaced by T.
Protein change: p.Pro305Leu; replaces proline 305 with leucine.
Molecular consequence: missense variant. On other transcripts: non-coding transcript variant (3), intron variant (2).
Genome position (GRCh38, 1-based): chrX:101,398,455, G>A on the plus strand (C>T on the coding strand, the complement: GLA is on the minus strand). VCF-style: chrX-101398455-G-A. GRCh37 (hg19) VCF-style: chrX-100653443-G-A.
Other names: c.1037C>T, p.Pro346Leu (NM_001406747.1); c.914C>T, p.Pro305Leu (NM_001406748.1); c.300+2998G>A (NM_001199973.2); c.177+6633G>A (NM_001199974.2); short protein forms P305L, P346L.
Identifiers: ClinVar variation 629461 (VCV000629461.8), dbSNP rs1465021475, ClinGen allele CA413922130.